The following is an entry in ClinVar:

ClinVar aggregate classification (germline): Uncertain significance. Review status: criteria provided, multiple submitters, no conflicts (2 of 4 stars). 2 submissions from 2 submitters: Uncertain significance (2). Last evaluated 2024-12-31.

Conditions:
Neurodevelopmental-craniofacial syndrome with variable renal and cardiac abnormalities. Identifiers: MedGen C5561984, MONDO:0859190, OMIM 619522.

Allele frequency attached by ClinVar (database versions not stated): TOPMed 0.00001.

Submissions (2):

3billion
Classification: Uncertain significance for Neurodevelopmental-craniofacial syndrome with variable renal and cardiac abnormalities. Last evaluated: 2024-12-31. Review status: criteria provided, single submitter. Criteria: ACMG Guidelines, 2015. Collection method: clinical testing. Allele origin: germline. Affected: yes.
Comment: The variant is not observed in the gnomAD v4.1.0 dataset. Predicted Consequence/Location: Intron variant In silico tools predict the variant to alter splicing and produce an abnormal transcript [SpliceAI: 0.43 (>=0.2, moderate evidence for spliceogenicity)]. The variant has been reported as of uncertain significance (ClinVar ID: VCV002573351). Therefore, this variant is classified as VUS according to the recommendation of ACMG/AMP guideline.

Women's Health and Genetics/Laboratory Corporation of America, LabCorp
Classification: Uncertain significance. Last evaluated: 2023-06-13. Review status: criteria provided, single submitter. Criteria: LabCorp Variant Classification Summary - May 2015. Collection method: clinical testing. Allele origin: germline.
Comment: Variant summary: ZMYM2 c.3820+3A>G alters a conserved nucleotide located close to a canonical splice site and therefore could affect mRNA splicing, leading to a significantly altered protein sequence. Several computational tools predict a significant impact on normal splicing: Two predict the variant abolishes a canonical 5' splicing donor site and one predicts that the variant weakens the 5' donor site. However, these predictions have yet to be confirmed by functional studies. The variant was absent in 213208 control chromosomes (gnomAD). The available data on variant occurrences in the general population are insufficient to allow any conclusion about variant significance. To our knowledge, no occurrence of c.3820+3A>G in individuals affected with Neurodevelopmental-Craniofacial Syndrome With Variable Renal And Cardiac Abnormalities and no experimental evidence demonstrating its impact on protein function have been reported. No clinical diagnostic laboratories have submitted clinical-significance assessments for this variant to ClinVar after 2014. Based on the evidence outlined above, the variant was classified as uncertain significance.

NM_197968.4(ZMYM2):c.3820+3A>G

Gene: ZMYM2 (zinc finger MYM-type containing 2; plus strand). Cytogenetic location: 13q12.11.
Variant type: single nucleotide variant.
Coding change: c.3820+3A>G on transcript NM_197968.4 (MANE Select); 3 bases into the intron after coding-DNA position 3820, A replaced by G.
Molecular consequence: intron variant.
Genome position (GRCh38, 1-based): chr13:20,083,035, A>G. VCF-style: chr13-20083035-A-G. GRCh37 (hg19) VCF-style: chr13-20657175-A-G.
Other names: c.3559+3A>G (NM_001353163.2); c.3820+3A>G (NM_001353157.2, NM_001353164.2, NM_001353159.2 and 4 more transcripts); c.3625+3A>G (NM_001353161.3).
Identifiers: ClinVar variation 2573351 (VCV002573351.2), dbSNP rs1286038612, ClinGen allele CA696365664.